The following is an entry in ClinVar:

ClinVar aggregate classification (germline): Uncertain significance (1 of 4 stars; one submission).

Submission:

ISCA site 4
Classification: Uncertain significance. Last evaluated: 2011-08-12. Review status: criteria provided, single submitter. Criteria: Kaminsky et al. (Genet Med. 2011). Collection method: clinical testing. Allele origin: de novo. Affected: yes. Observed: 1 variant allele.
Comment: Copy number variation identified through the course of routine clinical cytogenomic testing in postnatal populations. Clinical assertions have been curated as described in Kaminsky et al. 2011.

GRCh38/hg38 2q11.1-11.2(chr2:95879602-97029672)x3

Genes: ADRA2B (adrenoceptor alpha 2B; minus strand), ANKRD23 (ankyrin repeat domain 23; minus strand), ANKRD36C (ankyrin repeat domain 36C; minus strand), ANKRD39 (ankyrin repeat domain 39; minus strand), ARID5A (AT-rich interaction domain 5A; plus strand) and 116 more. Cytogenetic location: 2q11.1-11.2.
Variant type: copy number gain.
Change: copy number 3 (three copies instead of two) of chr2:95,879,602-97,029,672 (1.15 Mb, GRCh38 coordinates, 1-based), cytogenetic band 2q11.1-11.2.
Identifiers: ClinVar variation 160960 (VCV000160960.1).